The following is an entry in ClinVar:

ClinVar aggregate classification (germline): Pathogenic/Likely pathogenic. Review status: criteria provided, multiple submitters, no conflicts (2 of 4 stars). 5 submissions from 5 submitters: Pathogenic (4); Likely pathogenic (1). Last evaluated 2026-03-30.

Conditions:
Autosomal dominant polycystic kidney disease. Identifiers: Orphanet 730, MedGen C0085413, MONDO:0004691.
Polycystic kidney disease 2 (PKD2). Also called: Polycystic Kidney Disease 2, Autosomal Dominant; POLYCYSTIC KIDNEY DISEASE, ADULT, TYPE II; POLYCYSTIC KIDNEY DISEASE 2 WITH OR WITHOUT POLYCYSTIC LIVER DISEASE. Identifiers: MedGen C2751306, MONDO:0013131, OMIM 613095.

Submissions (5):

Victorian Clinical Genetics Services, Murdoch Childrens Research Institute
Classification: Pathogenic for Polycystic kidney disease 2. Last evaluated: 2026-03-30. Review status: criteria provided, single submitter. Criteria: ACMG Guidelines, 2015. Collection method: clinical testing. Allele origin: germline. Affected: yes.
Comment: This variant is classified as Pathogenic. Evidence in support of pathogenic classification: Variant is predicted to cause nonsense-mediated decay (NMD) and loss of protein (premature termination codon is located at least 54 nucleotides upstream of the final exon-exon junction); Variant is absent from gnomAD (v2, v3 and v4); This variant has moderate previous evidence of pathogenicity in unrelated individuals. This variant has been classified as pathogenic/likely pathogenic by clinical laboratories in ClinVar; Other NMD-predicted variant(s) comparable to the one identified in this case have very strong previous evidence for pathogenicity (DECIPHER). Additional information: This variant is heterozygous; This gene is associated with autosomal dominant disease; Loss of function is a known mechanism of disease in this gene and is associated with polycystic kidney disease 2 (MIM#613095). - Inheritance information for this variant is not currently available in this individual.

Labcorp Genetics (formerly Invitae), Labcorp
Classification: Pathogenic for Autosomal dominant polycystic kidney disease. Last evaluated: 2023-07-14. Review status: criteria provided, single submitter. Criteria: Invitae Variant Classification Sherloc (09022015). Collection method: clinical testing. Allele origin: germline.
Comment: For these reasons, this variant has been classified as Pathogenic. ClinVar contains an entry for this variant (Variation ID: 1256458). This premature translational stop signal has been observed in individual(s) with polycystic kidney disease (PMID: 34101167). This variant is not present in population databases (gnomAD no frequency). This sequence change creates a premature translational stop signal (p.Val262Argfs*8) in the PKD2 gene. It is expected to result in an absent or disrupted protein product. Loss-of-function variants in PKD2 are known to be pathogenic (PMID: 17582161, 22863349).

Fulgent Genetics
Classification: Likely pathogenic for Polycystic kidney disease 2. Last evaluated: 2021-09-22. Review status: criteria provided, single submitter. Criteria: ACMG Guidelines, 2015. Collection method: clinical testing. Allele origin: unknown.

Athena Diagnostics
Classification: Pathogenic. Last evaluated: 2021-05-28. Review status: criteria provided, single submitter. Criteria: Athena Diagnostics Criteria. Collection method: clinical testing. Allele origin: unknown.
Comment: This variant is expected to result in the loss of a functional protein. This variant has not been reported in large, multi-ethnic general populations. This variant has been identified in at least one individual tested at Athena Diagnostics with clinical features associated with this gene.

Clinical Genetics Service, Universitary Hospital 12 de Octubre
Classification: Pathogenic for Polycystic kidney disease 2. Review status: criteria provided, single submitter. Criteria: ACMG Guidelines, 2015. Collection method: clinical testing. Allele origin: germline. Affected: yes.

Literature cited by the submitters: PubMed 34101167 (cited by Labcorp Genetics (formerly Invitae), Labcorp); PubMed 17582161 (cited by Labcorp Genetics (formerly Invitae), Labcorp); PubMed 22863349 (cited by Labcorp Genetics (formerly Invitae), Labcorp).

NM_000297.4(PKD2):c.783dup (p.Val262fs)

Gene: PKD2 (polycystin 2, transient receptor potential cation channel; plus strand). Cytogenetic location: 4q22.1.
Variant type: Duplication.
Coding change: c.783dup on transcript NM_000297.4 (MANE Select); coding-DNA position 783, one base duplicated (C; older notation c.783dupC).
Protein change: p.Val262fs; shifts the reading frame from valine 262.
Molecular consequence: frameshift variant. On other transcripts: non-coding transcript variant (1).
Genome position (GRCh38, 1-based): chr4:88,036,293, C duplicated; the last of 5 consecutive C bases (chr4:88,036,289-88,036,293); duplicating any one gives the same sequence. VCF-style (leftmost placement, unchanged base first): chr4-88036288-A-AC. GRCh37 (hg19) VCF-style: chr4-88957440-A-AC.
Other names: short protein forms V262fs.
Identifiers: ClinVar variation 1256458 (VCV001256458.7), dbSNP rs2110104877, ClinGen allele CA2499217348.